The following is an entry in ClinVar:

NM_000138.5(FBN1):c.4034G>T (p.Ser1345Ile)

Gene: FBN1 (fibrillin 1; minus strand). Cytogenetic location: 15q21.1.
Variant type: single nucleotide variant.
Coding change: c.4034G>T on transcript NM_000138.5 (MANE Select); coding-DNA position 4034, G replaced by T.
Protein change: p.Ser1345Ile; replaces serine 1345 with isoleucine.
Molecular consequence: missense variant.
Genome position (GRCh38, 1-based): chr15:48,474,581, C>A on the plus strand (G>T on the coding strand, the complement: FBN1 is on the minus strand). VCF-style: chr15-48474581-C-A. GRCh37 (hg19) VCF-style: chr15-48766778-C-A.
Other names: short protein forms S1345I.
Identifiers: ClinVar variation 1430918 (VCV001430918.8), dbSNP rs767079851, ClinGen allele CA392320516.

ClinVar aggregate classification (germline): Uncertain significance (1 of 4 stars; one submission).

Conditions:
Marfan syndrome (MFS). Also called: MARFAN SYNDROME, TYPE I; Marfan syndrome type 1; Marfan's syndrome; Marfan syndrome, classic; FBN1-Related Marfan Syndrome. Identifiers: Orphanet 284963, Orphanet 558, MedGen C0024796, MONDO:0007947, OMIM 154700.
Familial thoracic aortic aneurysm and aortic dissection (TAAD). Also called: Thoracic aortic aneurysms and dissections. Identifiers: Orphanet 91387, MedGen C4707243, MONDO:0019625.

Submission:

Labcorp Genetics (formerly Invitae), Labcorp
Classification: Uncertain significance for Marfan syndrome; Familial thoracic aortic aneurysm and aortic dissection. Last evaluated: 2021-05-12. Review status: criteria provided, single submitter. Criteria: Invitae Variant Classification Sherloc (09022015). Collection method: clinical testing. Allele origin: germline.
Comment: In summary, the available evidence is currently insufficient to determine the role of this variant in disease. Therefore, it has been classified as a Variant of Uncertain Significance. Advanced modeling of protein sequence and biophysical properties (such as structural, functional, and spatial information, amino acid conservation, physicochemical variation, residue mobility, and thermodynamic stability) performed at Invitae indicates that this missense variant is expected to disrupt FBN1 protein function. This variant has been observed in individual(s) with clinical features of FBN1-related conditions (Invitae). This variant is not present in population databases (ExAC no frequency). This sequence change replaces serine with isoleucine at codon 1345 of the FBN1 protein (p.Ser1345Ile). The serine residue is highly conserved and there is a large physicochemical difference between serine and isoleucine.